The following is an entry in ClinVar:

ClinVar aggregate classification (germline): Uncertain significance (1 of 4 stars; one submission).

Allele frequency attached by ClinVar (database versions not stated): TOPMed 0.00002; gnomAD 0.00003 and 0.00011; gnomAD exomes 0.00020; ExAC 0.00022; 1000 Genomes Project 30x 0.00062; 1000 Genomes Project 0.00080.
gnomAD v4.1: 153 of 1,551,870 alleles (0.0099%); highest among the groups gnomAD compares: South Asian, 0.15%; 5 homozygotes.

Submission:

Labcorp Genetics (formerly Invitae), Labcorp
Classification: Uncertain significance. Last evaluated: 2022-09-13. Review status: criteria provided, single submitter. Criteria: Invitae Variant Classification Sherloc (09022015). Collection method: clinical testing. Allele origin: germline.
Comment: This sequence change replaces arginine, which is basic and polar, with cysteine, which is neutral and slightly polar, at codon 472 of the KPNA7 protein (p.Arg472Cys). This variant is present in population databases (rs565359658, gnomAD 0.1%). This variant has not been reported in the literature in individuals affected with KPNA7-related conditions. ClinVar contains an entry for this variant (Variation ID: 1045545). Advanced modeling of protein sequence and biophysical properties (such as structural, functional, and spatial information, amino acid conservation, physicochemical variation, residue mobility, and thermodynamic stability) performed at Invitae indicates that this missense variant is not expected to disrupt KPNA7 protein function. In summary, the available evidence is currently insufficient to determine the role of this variant in disease. Therefore, it has been classified as a Variant of Uncertain Significance.

NM_001145715.3(KPNA7):c.1414C>T (p.Arg472Cys)

Gene: KPNA7 (karyopherin subunit alpha 7; minus strand). Cytogenetic location: 7q22.1.
Variant type: single nucleotide variant.
Coding change: c.1414C>T on transcript NM_001145715.3 (MANE Select); coding-DNA position 1414, C replaced by T.
Protein change: p.Arg472Cys; replaces arginine 472 with cysteine.
Molecular consequence: missense variant.
Genome position (GRCh38, 1-based): chr7:99,177,970, G>A on the plus strand (C>T on the coding strand, the complement: KPNA7 is on the minus strand). VCF-style: chr7-99177970-G-A. GRCh37 (hg19) VCF-style: chr7-98775593-G-A.
Other names: short protein forms R472C.
Identifiers: ClinVar variation 1045545 (VCV001045545.4), dbSNP rs565359658, ClinGen allele CA4363100.